The following is an entry in ClinVar:

NM_000371.4(TTR):c.367C>G (p.Arg123Gly)

Gene: TTR (transthyretin; plus strand). Cytogenetic location: 18q12.1.
Variant type: single nucleotide variant.
Coding change: c.367C>G on transcript NM_000371.4 (MANE Select); coding-DNA position 367, C replaced by G.
Protein change: p.Arg123Gly; replaces arginine 123 with glycine.
Molecular consequence: missense variant.
Genome position (GRCh38, 1-based): chr18:31,598,598, C>G. VCF-style: chr18-31598598-C-G. GRCh37 (hg19) VCF-style: chr18-29178561-C-G.
Other names: short protein forms R123G.
Identifiers: ClinVar variation 1733861 (VCV001733861.7), dbSNP rs371566010, ClinGen allele CA297741863.

ClinVar aggregate classification (germline): Uncertain significance. Review status: criteria provided, multiple submitters, no conflicts (2 of 4 stars). 2 submissions from 2 submitters: Uncertain significance (2). Last evaluated 2025-11-17.

Conditions:
Amyloidosis, hereditary systemic 1 (AMYLD1). Also called: AMYLOID CARDIOMYOPATHY; Hereditary oculoleptomeningeal amyloid angiopathy; Familial Transthyretin Amyloidosis; Hereditary Transthyretin Amyloidosis; Familial amyloid polyneuropathy; Transthyretin Amyloidosis. Identifiers: Orphanet 85447, Orphanet 85451, MedGen C2751492, MONDO:0971004, OMIM 105210.
Cardiovascular phenotype. Identifiers: MedGen CN230736.

gnomAD v4.1: 1 of 1,614,086 alleles (0.000062%); highest among the groups gnomAD compares: Non-Finnish European, 0.000085%; no homozygotes.

Submissions (2):

Labcorp Genetics (formerly Invitae), Labcorp
Classification: Uncertain significance for Amyloidosis, hereditary systemic 1. Last evaluated: 2025-11-17. Review status: criteria provided, single submitter. Criteria: Invitae Variant Classification Sherloc (09022015). Collection method: clinical testing. Allele origin: germline.
Comment: This sequence change replaces arginine, which is basic and polar, with glycine, which is neutral and non-polar, at codon 123 of the TTR protein (p.Arg123Gly). This variant is present in population databases (no rsID available, gnomAD 0.01%). This variant has not been reported in the literature in individuals affected with TTR-related conditions. ClinVar contains an entry for this variant (Variation ID: 1733861). Invitae Evidence Modeling of protein sequence and biophysical properties (such as structural, functional, and spatial information, amino acid conservation, physicochemical variation, residue mobility, and thermodynamic stability) indicates that this missense variant is expected to disrupt TTR protein function with a positive predictive value of 95%. In summary, the available evidence is currently insufficient to determine the role of this variant in disease. Therefore, it has been classified as a Variant of Uncertain Significance.

Ambry Genetics
Classification: Uncertain significance for Cardiovascular phenotype. Last evaluated: 2022-06-21. Review status: criteria provided, single submitter. Criteria: Ambry Variant Classification Scheme 2023. Collection method: clinical testing. Allele origin: germline.
Comment: The p.R123G variant (also known as c.367C>G), located in coding exon 4 of the TTR gene, results from a C to G substitution at nucleotide position 367. The arginine at codon 123 is replaced by glycine, an amino acid with dissimilar properties. This amino acid position is highly conserved in available vertebrate species. In addition, this alteration is predicted to be deleterious by in silico analysis. Since supporting evidence is limited at this time, the clinical significance of this alteration remains unclear.